The following is an entry in ClinVar:

NM_007118.4(TRIO):c.4892G>T (p.Gly1631Val)

Genes: TRIO (trio Rho guanine nucleotide exchange factor; plus strand), LOC126807322 (P300/CBP strongly-dependent group 1 enhancer GRCh37_chr5:14406263-14407462; plus strand). Cytogenetic location: 5p15.2.
Variant type: single nucleotide variant.
Coding change: c.4892G>T on transcript NM_007118.4 (MANE Select); coding-DNA position 4892, G replaced by T.
Protein change: p.Gly1631Val; replaces glycine 1631 with valine.
Molecular consequence: missense variant. On other transcripts: non-coding transcript variant (1).
Genome position (GRCh38, 1-based): chr5:14,406,605, G>T. VCF-style: chr5-14406605-G-T. GRCh37 (hg19) VCF-style: chr5-14406714-G-T.
Other names: short protein forms G1631V.
Identifiers: ClinVar variation 2760767 (VCV002760767.3), dbSNP rs2533051933, ClinGen allele CA359199187.
Genomic context (GRCh38, chr5:14,406,605, plus strand): 5'-GGAACTAAAAGTTTCTTTGCACCGCCAGGGATGGAGAGGATCTGGACAGCCAAGGAGACG[G>T]CAGCAGCCAGCCTGATACGATTTCCATCGCCTCACGGACGTCTCAGAACACGCTGGACAG-3'
Protein context (NP_009049.2, residues 1621-1641): DGEDLDSQGD[Gly1631Val]SSQPDTISIA

ClinVar aggregate classification (germline): Uncertain significance (1 of 4 stars; one submission).

Submission:

Labcorp Genetics (formerly Invitae), Labcorp
Classification: Uncertain significance. Last evaluated: 2023-09-15. Review status: criteria provided, single submitter. Criteria: Invitae Variant Classification Sherloc (09022015). Collection method: clinical testing. Allele origin: germline.
Comment: This sequence change replaces glycine, which is neutral and non-polar, with valine, which is neutral and non-polar, at codon 1631 of the TRIO protein (p.Gly1631Val). This variant is not present in population databases (gnomAD no frequency). This variant has not been reported in the literature in individuals affected with TRIO-related conditions. Advanced modeling of protein sequence and biophysical properties (such as structural, functional, and spatial information, amino acid conservation, physicochemical variation, residue mobility, and thermodynamic stability) performed at Invitae indicates that this missense variant is not expected to disrupt TRIO protein function. In summary, the available evidence is currently insufficient to determine the role of this variant in disease. Therefore, it has been classified as a Variant of Uncertain Significance.